The following is an entry in ClinVar:

ClinVar aggregate classification (germline): Pathogenic (1 of 4 stars; one submission).

Conditions:
Long QT syndrome (LQTS). Identifiers: MedGen C0023976, MeSH D008133, MONDO:0002442. Disease mechanism: loss of function. Inheritance: Various modes of inheritance.

Submission:

Labcorp Genetics (formerly Invitae), Labcorp
Classification: Pathogenic for Long QT syndrome. Last evaluated: 2025-04-17. Review status: criteria provided, single submitter. Criteria: Invitae Variant Classification Sherloc (09022015). Collection method: clinical testing. Allele origin: germline.
Comment: This sequence change creates a premature translational stop signal (p.Asp580Alafs*14) in the KCNH2 gene. It is expected to result in an absent or disrupted protein product. Loss-of-function variants in KCNH2 are known to be pathogenic (PMID: 10973849, 19862833). This variant is not present in population databases (gnomAD no frequency). This variant has not been reported in the literature in individuals affected with KCNH2-related conditions. For these reasons, this variant has been classified as Pathogenic.

Literature cited by the submitters: PubMed 10973849; PubMed 19862833.

NM_000238.4(KCNH2):c.1739del (p.Asp580fs)

Gene: KCNH2 (potassium voltage-gated channel subfamily H member 2; minus strand). Cytogenetic location: 7q36.1.
Variant type: Deletion.
Coding change: c.1739del on transcript NM_000238.4 (MANE Select); coding-DNA position 1739, one base deleted (A; older notation c.1739delA).
Protein change: p.Asp580fs; shifts the reading frame from aspartic acid 580.
Molecular consequence: frameshift variant. On other transcripts: non-coding transcript variant (2).
Genome position (GRCh38, 1-based): chr7:150,951,654, T deleted on the plus strand (A on the coding strand, the reverse complement: KCNH2 is on the minus strand). VCF-style (leftmost placement, unchanged base first): chr7-150951653-GT-G. GRCh37 (hg19) VCF-style: chr7-150648741-GT-G.
Other names: c.719del, p.Asp240fs (NM_001204798.2, NM_172057.3); c.1451del, p.Asp484fs (NM_001406753.1, NM_001406756.1); c.1562del, p.Asp521fs (NM_001406755.1); c.1439del, p.Asp480fs (NM_001406757.1); c.1739del, p.Asp580fs (NM_172056.3); short protein forms D521fs, D240fs, D480fs, D484fs, D580fs.
Identifiers: ClinVar variation 4715748 (VCV004715748.1).